The following is an entry in ClinVar:

ClinVar aggregate classification (germline): Uncertain significance (1 of 4 stars; one submission).

Allele frequency attached by ClinVar (database versions not stated): gnomAD exomes 0.00001; ExAC 0.00001.
gnomAD v4.1: 10 of 1,211,481 alleles (0.00083%); highest among the groups gnomAD compares: South Asian, 0.0018%; no homozygotes.

Submission:

GeneDx
Classification: Uncertain significance. Last evaluated: 2026-02-02. Review status: criteria provided, single submitter. Criteria: GeneDx Variant Classification Process June 2021. Collection method: clinical testing. Allele origin: germline. Affected: yes.
Comment: Identified in the hemizygous state in a patient with autism spectrum disorder who also harbors a variant in the KCNQ2 gene (PMID: 23849776); In silico analysis indicates that this missense variant does not alter protein structure/function; This variant is associated with the following publications: (PMID: 23849776)

NM_002025.4(AFF2):c.3739G>A (p.Val1247Ile)

Gene: AFF2 (ALF transcription elongation factor 2; plus strand). Cytogenetic location: Xq28.
Variant type: single nucleotide variant.
Coding change: c.3739G>A on transcript NM_002025.4 (MANE Select); coding-DNA position 3739, G replaced by A.
Protein change: p.Val1247Ile; replaces valine 1247 with isoleucine.
Molecular consequence: missense variant.
Genome position (GRCh38, 1-based): chrX:148,987,482, G>A. VCF-style: chrX-148987482-G-A. GRCh37 (hg19) VCF-style: chrX-148069012-G-A.
Other names: c.3634G>A, p.Val1212Ile (NM_001169122.2, NM_001169124.2); c.3709G>A, p.Val1237Ile (NM_001169123.2); c.3622G>A, p.Val1208Ile (NM_001169125.2); c.2662G>A, p.Val888Ile (NM_001170628.1); short protein forms V1208I, V1212I, V1237I, V1247I, V888I.
Identifiers: ClinVar variation 1704985 (VCV001704985.4), dbSNP rs782105173, ClinGen allele CA10537384.